The following is an entry in ClinVar:

ClinVar aggregate classification (germline): Uncertain significance. Review status: criteria provided, multiple submitters, no conflicts (2 of 4 stars). 2 submissions from 2 submitters: Uncertain significance (2). Last evaluated 2025-10-21.

Conditions:
Emery-Dreifuss muscular dystrophy 5, autosomal dominant (EDMD5). Also called: EMERY-DREIFUSS MUSCULAR DYSTROPHY 5. Identifiers: Orphanet 261, MedGen C2751805, MONDO:0013072, OMIM 612999.

Allele frequency attached by ClinVar (database versions not stated): gnomAD exomes below 0.00001; ExAC 0.00001; gnomAD 0.00001.
gnomAD v4.1: 16 of 1,613,978 alleles (0.00099%); highest among the groups gnomAD compares: Non-Finnish European, 0.0013%; no homozygotes.

Submissions (2):

Labcorp Genetics (formerly Invitae), Labcorp
Classification: Uncertain significance for Emery-Dreifuss muscular dystrophy 5, autosomal dominant. Last evaluated: 2025-10-21. Review status: criteria provided, single submitter. Criteria: Invitae Variant Classification Sherloc (09022015). Collection method: clinical testing. Allele origin: germline.
Comment: This sequence change replaces glycine, which is neutral and non-polar, with arginine, which is basic and polar, at codon 1762 of the SYNE2 protein (p.Gly1762Arg). This variant is present in population databases (rs754809587, gnomAD 0.002%). This variant has not been reported in the literature in individuals affected with SYNE2-related conditions. ClinVar contains an entry for this variant (Variation ID: 313514). An algorithm developed to predict the effect of missense changes on protein structure and function (PolyPhen-2) suggests that this variant is likely to be disruptive. In summary, the available evidence is currently insufficient to determine the role of this variant in disease. Therefore, it has been classified as a Variant of Uncertain Significance.

Illumina Laboratory Services, Illumina
Classification: Uncertain significance for Emery-Dreifuss muscular dystrophy 5, autosomal dominant. Last evaluated: 2018-01-13. Review status: criteria provided, single submitter. Criteria: ICSL Variant Classification Criteria 13 December 2019. Collection method: clinical testing. Allele origin: germline.

NM_182914.3(SYNE2):c.5284G>A (p.Gly1762Arg)

Gene: SYNE2 (spectrin repeat containing nuclear envelope protein 2; plus strand). Cytogenetic location: 14q23.2.
Variant type: single nucleotide variant.
Coding change: c.5284G>A on transcript NM_182914.3 (MANE Select); coding-DNA position 5284, G replaced by A.
Protein change: p.Gly1762Arg; replaces glycine 1762 with arginine.
Molecular consequence: missense variant.
Genome position (GRCh38, 1-based): chr14:64,021,447, G>A. VCF-style: chr14-64021447-G-A. GRCh37 (hg19) VCF-style: chr14-64488165-G-A.
Other names: c.5284G>A, p.Gly1762Arg (NM_015180.6); short protein forms G1762R.
Identifiers: ClinVar variation 313514 (VCV000313514.6), dbSNP rs754809587, ClinGen allele CA7220434.
Genomic context (GRCh38, chr14:64,021,447, plus strand): 5'-GCACTCAGTGGCAGCACTGCTGAGCTAAGGGAGGATCTCGACCAAGCCAAGACCCAGATC[G>A]GGATGACTGAATCCCTCTTAAAAGCCCTGTCTCCTTCTGACAGCTTGGAGATCTTCACTA-3'
Protein context (NP_878918.2, residues 1752-1772): EDLDQAKTQI[Gly1762Arg]MTESLLKALS